The following is an entry in ClinVar:

NM_174878.3(CLRN1):c.528T>A (p.Tyr176Ter)

Gene: CLRN1 (clarin 1; minus strand). Cytogenetic location: 3q25.1.
Variant type: single nucleotide variant.
Coding change: c.528T>A on transcript NM_174878.3 (MANE Select); coding-DNA position 528, T replaced by A.
Protein change: p.Tyr176Ter; replaces tyrosine 176 with a stop codon.
Molecular consequence: nonsense. On other transcripts: 3 prime UTR variant (1), non-coding transcript variant (1).
Genome position (GRCh38, 1-based): chr3:150,928,107, A>T on the plus strand (T>A on the coding strand, the complement: CLRN1 is on the minus strand). VCF-style: chr3-150928107-A-T. GRCh37 (hg19) VCF-style: chr3-150645894-A-T.
Other names: c.567T>A, p.Tyr189Ter (NM_001195794.1); c.*142T>A (NM_001256819.2); c.300T>A, p.Tyr100Ter (NM_052995.2); short protein forms Y176*, Y100*, Y189*.
Identifiers: ClinVar variation 2040098 (VCV002040098.5), dbSNP rs121908140, ClinGen allele CA354953127.

ClinVar aggregate classification (germline): Pathogenic/Likely pathogenic. Review status: criteria provided, multiple submitters, no conflicts (2 of 4 stars). 2 submissions from 2 submitters: Pathogenic (1); Likely pathogenic (1). Last evaluated 2024-05-23.

Conditions:
Retinitis pigmentosa 61 (RP61). Identifiers: Orphanet 791, MedGen C3280041, MONDO:0013610, OMIM 614180.
Usher syndrome type 3A (USH3A). Also called: USHER SYNDROME, TYPE IIIA. Identifiers: MedGen C5779850, MONDO:0010170, OMIM 276902.

gnomAD v4.1: 1 of 1,613,722 alleles (0.000062%); highest among the groups gnomAD compares: Admixed American, 0.0017%; no homozygotes.

Submissions (2):

Fulgent Genetics
Classification: Likely pathogenic for Usher syndrome type 3A; Retinitis pigmentosa 61. Last evaluated: 2024-05-23. Review status: criteria provided, single submitter. Criteria: ACMG Guidelines, 2015. Collection method: clinical testing. Allele origin: germline.

Labcorp Genetics (formerly Invitae), Labcorp
Classification: Pathogenic. Last evaluated: 2022-01-11. Review status: criteria provided, single submitter. Criteria: Invitae Variant Classification Sherloc (09022015). Collection method: clinical testing. Allele origin: germline.
Comment: This variant disrupts a region of the CLRN1 protein in which other variant(s) (p.Arg207*) have been determined to be pathogenic (PMID: 22952768, 23304067, 26338283). This suggests that this is a clinically significant region of the protein, and that variants that disrupt it are likely to be disease-causing. For these reasons, this variant has been classified as Pathogenic. This variant has not been reported in the literature in individuals affected with CLRN1-related conditions. This variant is present in population databases (no rsID available, gnomAD 0.003%). This sequence change creates a premature translational stop signal (p.Tyr176*) in the CLRN1 gene. While this is not anticipated to result in nonsense mediated decay, it is expected to disrupt the last 57 amino acid(s) of the CLRN1 protein.

Literature cited by the submitters: PubMed 22952768 (cited by Labcorp Genetics (formerly Invitae), Labcorp); PubMed 23304067 (cited by Labcorp Genetics (formerly Invitae), Labcorp); PubMed 26338283 (cited by Labcorp Genetics (formerly Invitae), Labcorp).